The following is an entry in ClinVar:

NM_012418.4(FSCN2):c.296G>A (p.Arg99His)

Gene: FSCN2 (fascin actin-bundling protein 2, retinal; plus strand). Cytogenetic location: 17q25.3.
Variant type: single nucleotide variant.
Coding change: c.296G>A on transcript NM_012418.4 (MANE Select); coding-DNA position 296, G replaced by A.
Protein change: p.Arg99His; replaces arginine 99 with histidine.
Molecular consequence: missense variant.
Genome position (GRCh38, 1-based): chr17:81,528,827, G>A. VCF-style: chr17-81528827-G-A. GRCh37 (hg19) VCF-style: chr17-79495853-G-A.
Other names: c.296G>A, p.Arg99His (NM_001077182.3); short protein forms R99H.
Identifiers: ClinVar variation 1494179 (VCV001494179.8), dbSNP rs782165857, ClinGen allele CA8836635.
Genomic context (GRCh38, chr17:81,528,827, plus strand): 5'-GTGAGGCAGAGCAGCCGGGCCGTGACTGCCGCTTCCTGGTCCTGCCGCAGCCAGATGGGC[G>A]CTGGGTGCTGCGGTCCGAGCCGCACGGCCGCTTCTTCGGAGGCACCGAGGACCAGCTGTC-3'
Protein context (NP_036550.1, residues 89-109): RFLVLPQPDG[Arg99His]WVLRSEPHGR

ClinVar aggregate classification (germline): Uncertain significance (1 of 4 stars; one submission).

Allele frequency attached by ClinVar (database versions not stated): gnomAD 0.00002; ExAC 0.00006; gnomAD exomes 0.00001.
gnomAD v4.1: 12 of 1,556,880 alleles (0.00077%); highest among the groups gnomAD compares: African/African-American, 0.0054%; no homozygotes.

Submission:

Labcorp Genetics (formerly Invitae), Labcorp
Classification: Uncertain significance. Last evaluated: 2021-04-06. Review status: criteria provided, single submitter. Criteria: Invitae Variant Classification Sherloc (09022015). Collection method: clinical testing. Allele origin: germline.
Comment: This sequence change replaces arginine with histidine at codon 99 of the FSCN2 protein (p.Arg99His). The arginine residue is highly conserved and there is a small physicochemical difference between arginine and histidine. This variant is present in population databases (rs782165857, ExAC 0.1%). This variant has not been reported in the literature in individuals with FSCN2-related conditions. Algorithms developed to predict the effect of missense changes on protein structure and function are either unavailable or do not agree on the potential impact of this missense change (SIFT: "Deleterious"; PolyPhen-2: "Probably Damaging"; Align-GVGD: "Class C0"). In summary, the available evidence is currently insufficient to determine the role of this variant in disease. Therefore, it has been classified as a Variant of Uncertain Significance.